The following is an entry in ClinVar:

NM_006612.6(KIF1C):c.109A>G (p.Ile37Val)

Gene: KIF1C (kinesin family member 1C; plus strand). Cytogenetic location: 17p13.2.
Variant type: single nucleotide variant.
Coding change: c.109A>G on transcript NM_006612.6 (MANE Select); coding-DNA position 109, A replaced by G.
Protein change: p.Ile37Val; replaces isoleucine 37 with valine.
Molecular consequence: missense variant.
Genome position (GRCh38, 1-based): chr17:5,000,774, A>G. VCF-style: chr17-5000774-A-G. GRCh37 (hg19) VCF-style: chr17-4904069-A-G.
Other names: short protein forms I37V.
Identifiers: ClinVar variation 2051433 (VCV002051433.1), dbSNP rs751047597, ClinGen allele CA8318448.

ClinVar aggregate classification (germline): Uncertain significance (1 of 4 stars; one submission).

Conditions:
Spastic ataxia 2. Also called: Ataxia, spastic, 2, autosomal recessive. Identifiers: Orphanet 397946, MedGen C1969796, MONDO:0012651, OMIM 611302.

Allele frequency attached by ClinVar (database versions not stated): ExAC 0.00001; gnomAD exomes 0.00001; gnomAD 0.00009; TOPMed 0.00012.
gnomAD v4.1: 31 of 1,613,820 alleles (0.0019%); highest among the groups gnomAD compares: African/African-American, 0.037%; no homozygotes.

Submission:

Labcorp Genetics (formerly Invitae), Labcorp
Classification: Uncertain significance for Spastic ataxia 2. Last evaluated: 2022-02-11. Review status: criteria provided, single submitter. Criteria: Invitae Variant Classification Sherloc (09022015). Collection method: clinical testing. Allele origin: germline.
Comment: This sequence change replaces isoleucine, which is neutral and non-polar, with valine, which is neutral and non-polar, at codon 37 of the KIF1C protein (p.Ile37Val). This variant is present in population databases (rs751047597, gnomAD 0.06%). This variant has not been reported in the literature in individuals affected with KIF1C-related conditions. Algorithms developed to predict the effect of missense changes on protein structure and function are either unavailable or do not agree on the potential impact of this missense change (SIFT: "Deleterious"; PolyPhen-2: "Benign"; Align-GVGD: "Class C0"). In summary, the available evidence is currently insufficient to determine the role of this variant in disease. Therefore, it has been classified as a Variant of Uncertain Significance.